The following is an entry in ClinVar:

NM_002471.4(MYH6):c.3859+1G>A

Gene: MYH6 (myosin heavy chain 6; minus strand). Cytogenetic location: 14q11.2.
Variant type: single nucleotide variant.
Coding change: c.3859+1G>A on transcript NM_002471.4 (MANE Select); the canonical splice donor site of the intron after coding-DNA position 3859, G replaced by A.
Molecular consequence: splice donor variant.
Genome position (GRCh38, 1-based): chr14:23,389,592, C>T on the plus strand (G>A on the coding strand, the complement: MYH6 is on the minus strand). VCF-style: chr14-23389592-C-T. GRCh37 (hg19) VCF-style: chr14-23858801-C-T.
Identifiers: ClinVar variation 2764953 (VCV002764953.3), dbSNP rs1481854092, ClinGen allele CA389003206.
Genomic context (GRCh38, chr14:23,389,592, plus strand): 5'-TTGTGGGCCATTTCACAAGTCATGTCCTGCCCTAGGCAGGGGGTTGGTTAGGGGCACCCA[C>T]CATTCTCGGTCTGCAGCTTGGCTCGCTGGGTGGTGAAATCATTGAGGGAGCGTTGGGCCT-3'

ClinVar aggregate classification (germline): Uncertain significance (1 of 4 stars; one submission).

Conditions:
Hypertrophic cardiomyopathy 14. Identifiers: MedGen C2750467, MONDO:0013197, OMIM 613251.

Submission:

Labcorp Genetics (formerly Invitae), Labcorp
Classification: Uncertain significance for Hypertrophic cardiomyopathy 14. Last evaluated: 2023-10-04. Review status: criteria provided, single submitter. Criteria: Invitae Variant Classification Sherloc (09022015). Collection method: clinical testing. Allele origin: germline.
Comment: This sequence change affects a donor splice site in intron 27 of the MYH6 gene. It is expected to disrupt RNA splicing. Variants that disrupt the donor or acceptor splice site typically lead to a loss of protein function (PMID: 16199547), however the current clinical and genetic evidence is not sufficient to establish whether loss-of-function variants in MYH6 cause disease. This variant is not present in population databases (gnomAD no frequency). This variant has not been reported in the literature in individuals affected with MYH6-related conditions. Algorithms developed to predict the effect of sequence changes on RNA splicing suggest that this variant may disrupt the consensus splice site. In summary, the available evidence is currently insufficient to determine the role of this variant in disease. Therefore, it has been classified as a Variant of Uncertain Significance.

Literature cited by the submitters: PubMed 16199547.